The following is an entry in ClinVar:

ClinVar aggregate classification (germline): Benign (1 of 4 stars; one submission).

Conditions:
Sessile serrated polyposis cancer syndrome (SSPCS). Identifiers: Orphanet 157798, MedGen C4310714, MONDO:0014919, OMIM 617108.

Submission:

Myriad Genetics, Inc.
Classification: Benign for Sessile serrated polyposis cancer syndrome. Last evaluated: 2026-07-02. Review status: criteria provided, single submitter. Criteria: Myriad Autosomal Dominant, Autosomal Recessive and X-Linked Classification Criteria (2023). Collection method: clinical testing. Allele origin: unknown.
Comment: This variant is considered benign. This variant is a silent/synonymous amino acid change and it is not expected to impact splicing.

NM_017763.6(RNF43):c.1770G>A (p.Glu590=)

Gene: RNF43 (ring finger protein 43; minus strand). Cytogenetic location: 17q22.
Variant type: single nucleotide variant.
Coding change: c.1770G>A on transcript NM_017763.6 (MANE Select); coding-DNA position 1770, G replaced by A.
Protein change: p.Glu590=; no amino-acid change (glutamic acid 590 retained).
Molecular consequence: synonymous variant.
Genome position (GRCh38, 1-based): chr17:58,358,006, C>T on the plus strand (G>A on the coding strand, the complement: RNF43 is on the minus strand). VCF-style: chr17-58358006-C-T. GRCh37 (hg19) VCF-style: chr17-56435367-C-T.
Other names: c.1770G>A, p.Glu590= (NM_001438821.1, NM_001438822.1, NM_001305544.3 and 1 more transcripts); c.1389G>A, p.Glu463= (NM_001305545.2, NM_001437987.1).
Identifiers: ClinVar variation 5042100 (VCV005042100.1).